The following is an entry in ClinVar:

NM_153704.6(TMEM67):c.2430A>C (p.Lys810Asn)

Gene: TMEM67 (transmembrane protein 67; plus strand). Cytogenetic location: 8q22.1.
Variant type: single nucleotide variant.
Coding change: c.2430A>C on transcript NM_153704.6 (MANE Select); coding-DNA position 2430, A replaced by C.
Protein change: p.Lys810Asn; replaces lysine 810 with asparagine.
Molecular consequence: missense variant. On other transcripts: non-coding transcript variant (1).
Genome position (GRCh38, 1-based): chr8:93,804,869, A>C. VCF-style: chr8-93804869-A-C. GRCh37 (hg19) VCF-style: chr8-94817097-A-C.
Other names: c.2187A>C, p.Lys729Asn (NM_001142301.1); short protein forms K729N, K810N.
Identifiers: ClinVar variation 3898928 (VCV003898928.1).

ClinVar aggregate classification (germline): Uncertain significance (1 of 4 stars; one submission).

gnomAD v4.1: 1 of 1,547,884 alleles (0.000065%); highest among the groups gnomAD compares: Non-Finnish European, 0.000089%; no homozygotes.

Submission:

GeneDx
Classification: Uncertain significance. Last evaluated: 2024-11-08. Review status: criteria provided, single submitter. Criteria: GeneDx Variant Classification Process June 2021. Collection method: clinical testing. Allele origin: germline. Affected: yes.
Comment: Not observed at significant frequency in large population cohorts (gnomAD); In silico analysis supports that this missense variant has a deleterious effect on protein structure/function; Has not been previously published as pathogenic or benign to our knowledge